The following is an entry in ClinVar:

ClinVar aggregate classification (germline): Uncertain significance (1 of 4 stars; one submission).

Conditions:
Hereditary cancer-predisposing syndrome. Also called: Tumor predisposition; Hereditary Cancer Syndrome; Neoplastic Syndromes, Hereditary; Hereditary neoplastic syndrome. Identifiers: Orphanet 140162, MedGen C0027672, MeSH D009386, MONDO:0015356.

Submission:

Color Diagnostics, LLC DBA Color Health
Classification: Uncertain significance for Hereditary cancer-predisposing syndrome. Last evaluated: 2025-08-20. Review status: criteria provided, single submitter. Criteria: ACMG Guidelines, 2015. Collection method: clinical testing. Allele origin: germline.
Comment: This variant causes an in-frame substitution of Met and Pro amino acids with Ile and Thr novel amino acids in the APC protein. To our knowledge, functional studies have not been reported for this variant. This variant has not been reported in individuals affected with APC-related disorders in the literature. This variant has not been identified in the general population by the Genome Aggregation Database (gnomAD). The available evidence is insufficient to determine the role of this variant in disease conclusively. Therefore, this variant is classified as a Variant of Uncertain Significance.

NM_000038.6(APC):c.4293_4294delinsAA (p.Met1431_Pro1432delinsIleThr)

Gene: APC (APC regulator of Wnt signaling pathway; plus strand). Cytogenetic location: 5q22.2.
Variant type: Indel.
Coding change: c.4293_4294delinsAA on transcript NM_000038.6 (MANE Select); coding-DNA positions 4293 to 4294, GC replaced by AA.
Protein change: p.Met1431_Pro1432delinsIleThr.
Molecular consequence: missense variant. On other transcripts: non-coding transcript variant (2).
Genome position (GRCh38, 1-based): chr5:112,839,887-112,839,888, GC replaced by AA. VCF-style: chr5-112839887-GC-AA. GRCh37 (hg19) VCF-style: chr5-112175584-GC-AA.
Other names: c.4293_4294delinsAA, p.Met1431_Pro1432delinsIleThr (NM_001127510.3, NM_001354895.2, NM_001407450.1); c.4239_4240delinsAA, p.Met1413_Pro1414delinsIleThr (NM_001127511.3); c.4347_4348delinsAA, p.Met1449_Pro1450delinsIleThr (NM_001354896.2, NM_001407447.1, NM_001407448.1 and 1 more transcripts); c.4323_4324delinsAA, p.Met1441_Pro1442delinsIleThr (NM_001354897.2); c.4218_4219delinsAA, p.Met1406_Pro1407delinsIleThr (NM_001354898.2); c.4209_4210delinsAA, p.Met1403_Pro1404delinsIleThr (NM_001354899.2); c.4170_4171delinsAA, p.Met1390_Pro1391delinsIleThr (NM_001354900.2); c.4116_4117delinsAA, p.Met1372_Pro1373delinsIleThr (NM_001354901.2, NM_001407453.1); and 11 more.
Identifiers: ClinVar variation 4757831 (VCV004757831.1).